The following is an entry in ClinVar:

NM_020987.5(ANK3):c.2706C>G (p.Tyr902Ter)

Gene: ANK3 (ankyrin 3; minus strand). Cytogenetic location: 10q21.2.
Variant type: single nucleotide variant.
Coding change: c.2706C>G on transcript NM_020987.5 (MANE Select); coding-DNA position 2706, C replaced by G.
Protein change: p.Tyr902Ter; replaces tyrosine 902 with a stop codon.
Molecular consequence: nonsense.
Genome position (GRCh38, 1-based): chr10:60,138,996, G>C on the plus strand (C>G on the coding strand, the complement: ANK3 is on the minus strand). VCF-style: chr10-60138996-G-C. GRCh37 (hg19) VCF-style: chr10-61898754-G-C.
Other names: c.108C>G, p.Tyr36Ter (NM_001149.4); c.2688C>G, p.Tyr896Ter (NM_001204403.2); c.2709C>G, p.Tyr903Ter (NM_001204404.2); c.2706C>G, p.Tyr902Ter (NM_001320874.2); short protein forms Y902*, Y903*, Y36*, Y896*.
Identifiers: ClinVar variation 3393908 (VCV003393908.1).
Genomic context (GRCh38, chr10:60,138,996, plus strand): 5'-ACTATGAAAGACAGCAACAACGAAGTACCTGGCAGAACGCGCTCCGAGACTAAAGCCCAT[G>C]TAACCCTCTGCAGGCAGGGAATCATCACCCAATTCCTTAAGGTCCTGTGGCCCAAGATAT-3'

ClinVar aggregate classification (germline): Likely pathogenic (1 of 4 stars; one submission).

Conditions:
Intellectual developmental disorder, autosomal recessive 37. Also called: Intellectual disability-hypotonia-spasticity-sleep disorder syndrome. Identifiers: Orphanet 356996, MedGen C3809672, MONDO:0014210, OMIM 615493.

Submission:

Department of Human Genetics, Hannover Medical School
Classification: Likely pathogenic for Intellectual developmental disorder, autosomal recessive 37. Last evaluated: 2025-01-08. Review status: criteria provided, single submitter. Criteria: ACMG Guidelines, 2015. Collection method: clinical testing. Allele origin: germline. Inheritance: Autosomal dominant inheritance. Affected: yes.
Comment: ACMG: PVS1, PM2_Supporting